The following is an entry in ClinVar:

NM_020937.4(FANCM):c.82G>A (p.Gly28Arg)

Genes: FANCM (FA complementation group M; plus strand), LOC130055524 (ATAC-STARR-seq lymphoblastoid active region 8299; plus strand). Cytogenetic location: 14q21.2.
Variant type: single nucleotide variant.
Coding change: c.82G>A on transcript NM_020937.4 (MANE Select); coding-DNA position 82, G replaced by A.
Protein change: p.Gly28Arg; replaces glycine 28 with arginine.
Molecular consequence: missense variant.
Genome position (GRCh38, 1-based): chr14:45,136,113, G>A. VCF-style: chr14-45136113-G-A. GRCh37 (hg19) VCF-style: chr14-45605316-G-A.
Other names: c.82G>A, p.Gly28Arg (NM_001308133.2, NM_001308134.2); short protein forms G28R.
Identifiers: ClinVar variation 4022690 (VCV004022690.1).

ClinVar aggregate classification (germline): Uncertain significance (1 of 4 stars; one submission).

Conditions:
Inborn genetic diseases. Identifiers: MedGen C0950123, MeSH D030342.

gnomAD v4.1: 2 of 1,614,002 alleles (0.00012%); highest among the groups gnomAD compares: Admixed American, 0.0017%; no homozygotes.

Submission:

Ambry Genetics
Classification: Uncertain significance for Inborn genetic diseases. Last evaluated: 2025-04-14. Review status: criteria provided, single submitter. Criteria: Ambry Variant Classification Scheme 2023. Collection method: clinical testing. Allele origin: germline.
Comment: The p.G28R variant (also known as c.82G>A), located in coding exon 1 of the FANCM gene, results from a G to A substitution at nucleotide position 82. The glycine at codon 28 is replaced by arginine, an amino acid with dissimilar properties. This amino acid position is conserved. In addition, this alteration is predicted to be tolerated by in silico analysis. Based on the available evidence, the clinical significance of this variant remains unclear.